The following is an entry in ClinVar:

ClinVar aggregate classification (germline): Uncertain significance. Review status: criteria provided, multiple submitters, no conflicts (2 of 4 stars). 2 submissions from 2 submitters: Uncertain significance (2). Last evaluated 2025-10-02.

Allele frequency attached by ClinVar (database versions not stated): gnomAD 0.00002; gnomAD exomes 0.00004; ESP Exome Variant Server 0.00008; TOPMed 0.00004; ExAC 0.00005.
gnomAD v4.1: 67 of 1,614,030 alleles (0.0042%); highest among the groups gnomAD compares: Admixed American, 0.0067%; no homozygotes.

Submissions (2):

Ambry Genetics
Classification: Uncertain significance. Last evaluated: 2025-10-02. Review status: criteria provided, single submitter. Criteria: Ambry Variant Classification Scheme 2023. Collection method: clinical testing. Allele origin: germline.

Labcorp Genetics (formerly Invitae), Labcorp
Classification: Uncertain significance. Last evaluated: 2024-06-05. Review status: criteria provided, single submitter. Criteria: Invitae Variant Classification Sherloc (09022015). Collection method: clinical testing. Allele origin: germline.
Comment: This sequence change replaces valine, which is neutral and non-polar, with isoleucine, which is neutral and non-polar, at codon 278 of the LIPG protein (p.Val278Ile). This variant is present in population databases (rs138921240, gnomAD 0.02%). This variant has not been reported in the literature in individuals affected with LIPG-related conditions. ClinVar contains an entry for this variant (Variation ID: 1409030). Algorithms developed to predict the effect of missense changes on protein structure and function output the following: SIFT: "Not Available"; PolyPhen-2: "Benign"; Align-GVGD: "Not Available". The isoleucine amino acid residue is found in multiple mammalian species, which suggests that this missense change does not adversely affect protein function. In summary, the available evidence is currently insufficient to determine the role of this variant in disease. Therefore, it has been classified as a Variant of Uncertain Significance.

NM_006033.4(LIPG):c.832G>A (p.Val278Ile)

Gene: LIPG (lipase G, endothelial type; plus strand). Cytogenetic location: 18q21.1.
Variant type: single nucleotide variant.
Coding change: c.832G>A on transcript NM_006033.4 (MANE Select); coding-DNA position 832, G replaced by A.
Protein change: p.Val278Ile; replaces valine 278 with isoleucine.
Molecular consequence: missense variant.
Genome position (GRCh38, 1-based): chr18:49,581,453, G>A. VCF-style: chr18-49581453-G-A. GRCh37 (hg19) VCF-style: chr18-47107823-G-A.
Other names: c.610G>A, p.Val204Ile (NM_001308006.2); c.832G>A (NM_006033.2); short protein forms V204I, V278I.
Identifiers: ClinVar variation 1409030 (VCV001409030.7), dbSNP rs138921240, ClinGen allele CA8959234.